The following is an entry in ClinVar:

NM_000535.7(PMS2):c.917T>A (p.Val306Glu)

Gene: PMS2 (PMS1 homolog 2, mismatch repair system component; minus strand). Cytogenetic location: 7p22.1.
Variant type: single nucleotide variant.
Coding change: c.917T>A on transcript NM_000535.7 (MANE Select); coding-DNA position 917, T replaced by A.
Protein change: p.Val306Glu; replaces valine 306 with glutamic acid.
Molecular consequence: missense variant. On other transcripts: 5 prime UTR variant (2), non-coding transcript variant (1).
Genome position (GRCh38, 1-based): chr7:5,992,044, A>T on the plus strand (T>A on the coding strand, the complement: PMS2 is on the minus strand). VCF-style: chr7-5992044-A-T. GRCh37 (hg19) VCF-style: chr7-6031675-A-T.
Other names: c.512T>A, p.Val171Glu (NM_001322003.2, NM_001322004.2, NM_001322005.2 and 2 more transcripts); c.917T>A, p.Val306Glu (NM_001322006.2, NM_001322014.2); c.599T>A, p.Val200Glu (NM_001322007.2, NM_001322008.2); c.-17T>A (NM_001322011.2, NM_001322012.2); c.344T>A, p.Val115Glu (NM_001322013.2); c.608T>A, p.Val203Glu (NM_001322015.2); short protein forms V306E, V171E, V203E, V200E, V115E.
Identifiers: ClinVar variation 237933 (VCV000237933.20), dbSNP rs786201878, ClinGen allele CA10582517.

ClinVar aggregate classification (germline): Conflicting classifications of pathogenicity. Review status: criteria provided, conflicting classifications (1 of 4 stars). 6 submissions from 6 submitters: Likely pathogenic (2); Uncertain significance (4). Last evaluated 2025-12-08.

Conditions:
Hereditary nonpolyposis colorectal neoplasms. Identifiers: MedGen C0009405, MeSH D003123.
Hereditary cancer-predisposing syndrome. Also called: Neoplastic Syndromes, Hereditary; Hereditary neoplastic syndrome; Tumor predisposition; Hereditary Cancer Syndrome. Identifiers: Orphanet 140162, MedGen C0027672, MeSH D009386, MONDO:0015356.
Lynch syndrome 4 (LYNCH4). Also called: Hereditary non-polyposis colorectal cancer, type 4; Colorectal cancer, hereditary nonpolyposis, type 4. Identifiers: Orphanet 144, MedGen C1838333, MONDO:0013699, OMIM 614337. Disease mechanism: loss of function.

gnomAD v4.1: 1 of 1,579,096 alleles (0.000063%); no homozygotes.

Submissions (6):

Labcorp Genetics (formerly Invitae), Labcorp
Classification: Likely pathogenic for Hereditary nonpolyposis colorectal neoplasms. Last evaluated: 2025-12-08. Review status: criteria provided, single submitter. Criteria: Invitae Variant Classification Sherloc (09022015). Collection method: clinical testing. Allele origin: germline.
Comment: This sequence change replaces valine, which is neutral and non-polar, with glutamic acid, which is acidic and polar, at codon 306 of the PMS2 protein (p.Val306Glu). This variant is not present in population databases (gnomAD no frequency). This missense change has been observed in individuals with clinical features of PMS2-related conditions (PMID: 31019026, 31204389, 34645491; internal data). ClinVar contains an entry for this variant (Variation ID: 237933). Invitae Evidence Modeling incorporating data from in vitro experimental studies (internal data) indicates that this missense variant is expected to disrupt PMS2 function with a positive predictive value of 95%. In summary, the currently available evidence indicates that the variant is pathogenic, but additional data are needed to prove that conclusively. Therefore, this variant has been classified as Likely Pathogenic.

Ambry Genetics
Classification: Uncertain significance for Hereditary cancer-predisposing syndrome. Last evaluated: 2024-05-09. Review status: criteria provided, single submitter. Criteria: Ambry Variant Classification Scheme 2023. Collection method: clinical testing. Allele origin: germline.
Comment: The p.V306E variant (also known as c.917T>A), located in coding exon 9 of the PMS2 gene, results from a T to A substitution at nucleotide position 917. The valine at codon 306 is replaced by glutamic acid, an amino acid with dissimilar properties. This amino acid position is highly conserved in available vertebrate species. In addition, this alteration is predicted to be deleterious by in silico analysis. Based on the available evidence, the clinical significance of this variant remains unclear.

Baylor Genetics
Classification: Uncertain significance for Lynch syndrome 4. Last evaluated: 2024-03-10. Review status: criteria provided, single submitter. Criteria: ACMG Guidelines, 2015. Collection method: clinical testing. Allele origin: unknown.

Quest Diagnostics Nichols Institute San Juan Capistrano
Classification: Uncertain significance. Last evaluated: 2020-03-10. Review status: criteria provided, single submitter. Criteria: Quest Diagnostics criteria. Collection method: clinical testing. Allele origin: unknown.

Women's Health and Genetics/Laboratory Corporation of America, LabCorp
Classification: Uncertain significance. Last evaluated: 2020-02-27. Review status: criteria provided, single submitter. Criteria: LabCorp Variant Classification Summary - May 2015. Collection method: clinical testing. Allele origin: germline.
Comment: Variant summary: PMS2 c.917T>A (p.Val306Glu) results in a non-conservative amino acid change located in the DNA mismatch repair protein family, N-terminal domain (IPR002099) of the encoded protein sequence. Five of five in-silico tools predict a damaging effect of the variant on protein function. The variant was absent in 251190 control chromosomes (gnomAD). The available data on variant occurrences in the general population are insufficient to allow any conclusion about variant significance. To our knowledge, no occurrence of c.917T>A in individuals affected with Hereditary Non-Polyposis Colon Cancer and no experimental evidence demonstrating its impact on protein function have been reported. Three ClinVar submitters (evaluation after 2014) cite the variant as uncertain significance (2x) and likely pathogenic (1x). Based on the evidence outlined above, the variant was classified as uncertain significance.

Rady Children's Institute for Genomic Medicine, Rady Children's Hospital San Diego
Classification: Likely pathogenic for COLORECTAL CANCER, HEREDITARY NONPOLYPOSIS, TYPE 4. Last evaluated: 2018-05-04. Review status: criteria provided, single submitter. Criteria: ACMG Guidelines, 2015. Collection method: clinical testing. Allele origin: germline. Affected: yes. Observed: 1 variant allele.
Comment: This variant has not been previously published in the literature to our knowledge, but has been previously reported as a variant of uncertain significance in ClinVar. The Val306Glu variant was not observed in large population cohorts and is absent from the ExAC and gnomAD population databases, thus it is presumed to be rare. In silico analysis, which includes protein predictors and evolutionary conservation, supports a deleterious effect and this variant is located in the ATPase domain. This variant has been observed in the homozygous state in an individual with a clinical history suggestive of a congenital mismatch repair deficiency (CMMR-D) at an independent commercial genetic testing laboratory. Based on the available evidence, the Val306Glu variant is classified as likely pathogenic.

Literature cited by the submitters: PubMed 31019026 (cited by Labcorp Genetics (formerly Invitae), Labcorp); PubMed 31204389 (cited by Labcorp Genetics (formerly Invitae), Labcorp); PubMed 34645491 (cited by Labcorp Genetics (formerly Invitae), Labcorp).